The following is an entry in ClinVar:

NM_006440.5(TXNRD2):c.740T>A (p.Met247Lys)

Gene: TXNRD2 (thioredoxin reductase 2; minus strand). Cytogenetic location: 22q11.21.
Variant type: single nucleotide variant.
Coding change: c.740T>A on transcript NM_006440.5 (MANE Select); coding-DNA position 740, T replaced by A.
Protein change: p.Met247Lys; replaces methionine 247 with lysine.
Molecular consequence: missense variant. On other transcripts: non-coding transcript variant (1).
Genome position (GRCh38, 1-based): chr22:19,898,073, A>T on the plus strand (T>A on the coding strand, the complement: TXNRD2 is on the minus strand). VCF-style: chr22-19898073-A-T. GRCh37 (hg19) VCF-style: chr22-19885596-A-T.
Other names: c.740T>A, p.Met247Lys (NM_001282512.3); c.737T>A, p.Met246Lys (NM_001352300.2); c.650T>A, p.Met217Lys (NM_001352301.2); c.452T>A, p.Met151Lys (NM_001352302.2); c.644T>A, p.Met215Lys (NM_001352303.2); short protein forms M215K, M247K, M151K, M217K, M246K.
Identifiers: ClinVar variation 3709137 (VCV003709137.3).

ClinVar aggregate classification (germline): Uncertain significance. Review status: criteria provided, multiple submitters, no conflicts (2 of 4 stars). 2 submissions from 2 submitters: Uncertain significance (2). Last evaluated 2026-04-18.

Conditions:
Cardiovascular phenotype. Identifiers: MedGen CN230736.
Primary dilated cardiomyopathy (DCM). Also called: Dilated Cardiomyopathy. Identifiers: Orphanet 217604, MedGen C0007193, MeSH D002311, MONDO:0005021, HP:0001644. Inheritance: Various modes of inheritance.

gnomAD v4.1: 3 of 1,564,992 alleles (0.00019%); highest among the groups gnomAD compares: Non-Finnish European, 0.00026%; no homozygotes.

Submissions (2):

Ambry Genetics
Classification: Uncertain significance for Cardiovascular phenotype. Last evaluated: 2026-04-18. Review status: criteria provided, single submitter. Criteria: Ambry Variant Classification Scheme 2023. Collection method: clinical testing. Allele origin: germline.
Comment: The p.M247K variant (also known as c.740T>A), located in coding exon 10 of the TXNRD2 gene, results from a T to A substitution at nucleotide position 740. The methionine at codon 247 is replaced by lysine, an amino acid with similar properties. This amino acid position is conserved. In addition, this alteration is predicted to be deleterious by in silico analysis. Based on the available evidence, the clinical significance of this variant remains unclear.

Labcorp Genetics (formerly Invitae), Labcorp
Classification: Uncertain significance for Primary dilated cardiomyopathy. Last evaluated: 2024-07-21. Review status: criteria provided, single submitter. Criteria: Invitae Variant Classification Sherloc (09022015). Collection method: clinical testing. Allele origin: germline.
Comment: This sequence change replaces methionine, which is neutral and non-polar, with lysine, which is basic and polar, at codon 247 of the TXNRD2 protein (p.Met247Lys). This variant is not present in population databases (gnomAD no frequency). This variant has not been reported in the literature in individuals affected with TXNRD2-related conditions. Advanced modeling of protein sequence and biophysical properties (such as structural, functional, and spatial information, amino acid conservation, physicochemical variation, residue mobility, and thermodynamic stability) performed at Invitae indicates that this missense variant is expected to disrupt TXNRD2 protein function with a positive predictive value of 80%. In summary, the available evidence is currently insufficient to determine the role of this variant in disease. Therefore, it has been classified as a Variant of Uncertain Significance.